The following is an entry in ClinVar:

ClinVar aggregate classification (germline): Benign/Likely benign. Review status: criteria provided, multiple submitters, no conflicts (2 of 4 stars). 5 submissions from 5 submitters: Benign (1); Likely benign (3). 1 of the submissions does not count toward it. Last evaluated 2024-11-05.

Conditions:
IGFALS-related disorder. Also called: IGFALS-related condition.
Short stature due to primary acid-labile subunit deficiency. Also called: Acid-labile subunit, deficiency of; Acid-labile subunit deficiency. Identifiers: Orphanet 140941, MedGen C3900122, MONDO:0014420, OMIM 615961.

Allele frequency attached by ClinVar (database versions not stated): gnomAD exomes 0.00036 and 0.00069; ExAC 0.00090; gnomAD 0.00252 and 0.00267; 1000 Genomes Project 0.00260; 1000 Genomes Project 30x 0.00265; TOPMed 0.00279; ESP Exome Variant Server 0.00287.

Submissions (5):

Blueprint Genetics
Classification: Likely benign. Last evaluated: 2024-11-05. Review status: criteria provided, single submitter. Criteria: ACMG Guidelines, 2015. Collection method: clinical testing. Allele origin: germline.

Labcorp Genetics (formerly Invitae), Labcorp
Classification: Benign. Last evaluated: 2019-12-31. Review status: criteria provided, single submitter. Criteria: Invitae Variant Classification Sherloc (09022015). Collection method: clinical testing. Allele origin: germline.

Illumina Laboratory Services, Illumina
Classification: Likely benign for Short stature due to primary acid-labile subunit deficiency. Last evaluated: 2018-01-12. Review status: criteria provided, single submitter. Criteria: ICSL Variant Classification Criteria 13 December 2019. Collection method: clinical testing. Allele origin: germline.
Comment: This variant was observed in the ICSL laboratory as part of a predisposition screen in an ostensibly healthy population. It had not been previously curated by ICSL or reported in the Human Gene Mutation Database (HGMD: prior to June 1st, 2018), and was therefore a candidate for classification through an automated scoring system. Utilizing variant allele frequency, disease prevalence and penetrance estimates, and inheritance mode, an automated score was calculated to assess if this variant is too frequent to cause the disease. Based on the score and internal cut-off values, a variant classified as likely benign is not then subjected to further curation. The score for this variant resulted in a classification of likely benign for this disease.

Breakthrough Genomics
Classification: Likely benign. Review status: criteria provided, single submitter. Criteria: ACMG Guidelines, 2015. Collection method: not provided. Allele origin: germline. Inheritance: Autosomal recessive inheritance. Affected: yes.

PreventionGenetics, part of Exact Sciences
Classification: Benign for IGFALS-related condition. Last evaluated: 2019-06-07. Review status: no assertion criteria provided. Collection method: clinical testing. Allele origin: germline. Not counted in ClinVar's aggregate classification.
Comment: This variant is classified as benign based on ACMG/AMP sequence variant interpretation guidelines (Richards et al. 2015 PMID: 25741868, with internal and published modifications).

NM_004970.3(IGFALS):c.99G>A (p.Pro33=)

Gene: IGFALS (insulin like growth factor binding protein acid labile subunit; minus strand). Cytogenetic location: 16p13.3.
Variant type: single nucleotide variant.
Coding change: c.99G>A on transcript NM_004970.3 (MANE Select); coding-DNA position 99, G replaced by A.
Protein change: p.Pro33=; no amino-acid change (proline 33 retained).
Molecular consequence: synonymous variant. On other transcripts: non-coding transcript variant (1).
Genome position (GRCh38, 1-based): chr16:1,792,319, C>T on the plus strand (G>A on the coding strand, the complement: IGFALS is on the minus strand). VCF-style: chr16-1792319-C-T. GRCh37 (hg19) VCF-style: chr16-1842320-C-T.
Other names: c.213G>A, p.Pro71= (NM_001146006.2).
Identifiers: ClinVar variation 318268 (VCV000318268.13), dbSNP rs189350550, ClinGen allele CA7820722.